The following is an entry in ClinVar:

NM_000245.4(MET):c.2472T>G (p.Asp824Glu)

Gene: MET (MET proto-oncogene, receptor tyrosine kinase; plus strand). Cytogenetic location: 7q31.2.
Variant type: single nucleotide variant.
Coding change: c.2472T>G on transcript NM_000245.4 (MANE Select); coding-DNA position 2472, T replaced by G.
Protein change: p.Asp824Glu; replaces aspartic acid 824 with glutamic acid.
Molecular consequence: missense variant.
Genome position (GRCh38, 1-based): chr7:116,763,157, T>G. VCF-style: chr7-116763157-T-G. GRCh37 (hg19) VCF-style: chr7-116403211-T-G.
Other names: c.2526T>G, p.Asp842Glu (NM_001127500.3); c.2472T>G, p.Asp824Glu (NM_001324401.3); c.1182T>G, p.Asp394Glu (NM_001324402.2); short protein forms D842E, D394E, D824E.
Identifiers: ClinVar variation 454217 (VCV000454217.14), dbSNP rs1463527073, ClinGen allele CA368983333.

ClinVar aggregate classification (germline): Uncertain significance. Review status: criteria provided, multiple submitters, no conflicts (2 of 4 stars). 2 submissions from 2 submitters: Uncertain significance (2). Last evaluated 2025-04-14.

Conditions:
Renal cell carcinoma. Identifiers: Orphanet 217071, MedGen C0007134, MeSH D002292, MONDO:0005086, HP:0005584.
Hereditary cancer-predisposing syndrome. Also called: Hereditary Cancer Syndrome; Hereditary neoplastic syndrome; Neoplastic Syndromes, Hereditary; Tumor predisposition. Identifiers: Orphanet 140162, MedGen C0027672, MeSH D009386, MONDO:0015356.

Allele frequency attached by ClinVar (database versions not stated): gnomAD exomes below 0.00001.
gnomAD v4.1: 4 of 1,614,042 alleles (0.00025%); highest among the groups gnomAD compares: Non-Finnish European, 0.00034%; no homozygotes.

Submissions (2):

Labcorp Genetics (formerly Invitae), Labcorp
Classification: Uncertain significance for Renal cell carcinoma. Last evaluated: 2025-04-14. Review status: criteria provided, single submitter. Criteria: Invitae Variant Classification Sherloc (09022015). Collection method: clinical testing. Allele origin: germline.
Comment: This sequence change replaces aspartic acid, which is acidic and polar, with glutamic acid, which is acidic and polar, at codon 842 of the MET protein (p.Asp842Glu). This variant is not present in population databases (gnomAD no frequency). This variant has not been reported in the literature in individuals affected with MET-related conditions. ClinVar contains an entry for this variant (Variation ID: 454217). Invitae Evidence Modeling of protein sequence and biophysical properties (such as structural, functional, and spatial information, amino acid conservation, physicochemical variation, residue mobility, and thermodynamic stability) indicates that this missense variant is not expected to disrupt MET protein function with a negative predictive value of 80%. In summary, the available evidence is currently insufficient to determine the role of this variant in disease. Therefore, it has been classified as a Variant of Uncertain Significance.

Ambry Genetics
Classification: Uncertain significance for Hereditary cancer-predisposing syndrome. Last evaluated: 2025-03-12. Review status: criteria provided, single submitter. Criteria: Ambry Variant Classification Scheme 2023. Collection method: clinical testing. Allele origin: germline.
Comment: The p.D842E variant (also known as c.2526T>G), located in coding exon 10 of the MET gene, results from a T to G substitution at nucleotide position 2526. The aspartic acid at codon 842 is replaced by glutamic acid, an amino acid with highly similar properties. This amino acid position is highly conserved in available vertebrate species. In addition, this alteration is predicted to be tolerated by in silico analysis. Based on the available evidence, the clinical significance of this variant remains unclear.